The following is an entry in ClinVar:

NM_183050.4(BCKDHB):c.*83C>T

Gene: BCKDHB (branched chain keto acid dehydrogenase E1 subunit beta; plus strand). Cytogenetic location: 6q14.1.
Variant type: single nucleotide variant.
Coding change: c.*83C>T on transcript NM_183050.4 (MANE Select); 83 bases downstream of the stop codon, C replaced by T.
Molecular consequence: 3 prime UTR variant. On other transcripts: non-coding transcript variant (1), intron variant (1).
Genome position (GRCh38, 1-based): chr6:80,343,887, C>T. VCF-style: chr6-80343887-C-T. GRCh37 (hg19) VCF-style: chr6-81053604-C-T.
Other names: c.*83C>T (NM_001318975.1); c.*8+75C>T (NM_000056.5).
Identifiers: ClinVar variation 358173 (VCV000358173.5), dbSNP rs564127416, ClinGen allele CA10624813.

ClinVar aggregate classification (germline): Likely benign (1 of 4 stars; one submission).

Conditions:
Maple syrup urine disease (MSUD). Identifiers: Orphanet 511, MedGen C0024776, MeSH D008375, MONDO:0009563. Disease mechanism: loss of function.

Allele frequency attached by ClinVar (database versions not stated): gnomAD 0.00052 and 0.00084; TOPMed 0.00079; gnomAD exomes 0.00135; 1000 Genomes Project 0.00240; 1000 Genomes Project 30x 0.00265.
gnomAD v4.1: 2,018 of 1,535,034 alleles (0.13%); highest among the groups gnomAD compares: Middle Eastern, 1.6%; 25 homozygotes.

Submission:

Illumina Laboratory Services, Illumina
Classification: Likely benign for Maple syrup urine disease type 1A. Last evaluated: 2018-01-13. Review status: criteria provided, single submitter. Criteria: ICSL Variant Classification Criteria 13 December 2019. Collection method: clinical testing. Allele origin: germline.
Comment: This variant was observed in the ICSL laboratory as part of a predisposition screen in an ostensibly healthy population. It had not been previously curated by ICSL or reported in the Human Gene Mutation Database (HGMD: prior to June 1st, 2018), and was therefore a candidate for classification through an automated scoring system. Utilizing variant allele frequency, disease prevalence and penetrance estimates, and inheritance mode, an automated score was calculated to assess if this variant is too frequent to cause the disease. Based on the score and internal cut-off values, a variant classified as likely benign is not then subjected to further curation. The score for this variant resulted in a classification of likely benign for this disease.